The following is an entry in ClinVar:

NM_133510.4(RAD51B):c.954A>C (p.Arg318Ser)

Gene: RAD51B (RAD51 paralog B; plus strand). Cytogenetic location: 14q24.1.
Variant type: single nucleotide variant.
Coding change: c.954A>C on transcript NM_133510.4 (MANE Select); coding-DNA position 954, A replaced by C.
Protein change: p.Arg318Ser; replaces arginine 318 with serine.
Molecular consequence: missense variant.
Genome position (GRCh38, 1-based): chr14:68,411,524, A>C. VCF-style: chr14-68411524-A-C. GRCh37 (hg19) VCF-style: chr14-68878241-A-C.
Other names: c.954A>C, p.Arg318Ser (NM_001321809.2, NM_001321810.2, NM_001321812.1 and 6 more transcripts); c.840A>C, p.Arg280Ser (NM_001321815.1); c.597A>C, p.Arg199Ser (NM_001321817.2); short protein forms R199S, R280S, R318S.
Identifiers: ClinVar variation 4575323 (VCV004575323.1).

ClinVar aggregate classification (germline): Uncertain significance (1 of 4 stars; one submission).

Submission:

Ambry Genetics
Classification: Uncertain significance. Last evaluated: 2025-11-23. Review status: criteria provided, single submitter. Criteria: Ambry Variant Classification Scheme 2023. Collection method: clinical testing. Allele origin: germline.
Comment: The p.R318S variant (also known as c.954A>C), located in coding exon 8 of the RAD51B gene, results from an A to C substitution at nucleotide position 954. The arginine at codon 318 is replaced by serine, an amino acid with dissimilar properties. This amino acid position is conserved. In addition, the in silico prediction for this alteration is inconclusive. Based on the available evidence, the clinical significance of this variant remains unclear.